The following is an entry in ClinVar:

NM_014974.3(DIP2C):c.3013G>A (p.Val1005Met)

Gene: DIP2C (DIP2 acetate--CoA ligase C (putative); minus strand). Cytogenetic location: 10p15.3.
Variant type: single nucleotide variant.
Coding change: c.3013G>A on transcript NM_014974.3 (MANE Select); coding-DNA position 3013, G replaced by A.
Protein change: p.Val1005Met; replaces valine 1005 with methionine.
Molecular consequence: missense variant.
Genome position (GRCh38, 1-based): chr10:349,427, C>T on the plus strand (G>A on the coding strand, the complement: DIP2C is on the minus strand). VCF-style: chr10-349427-C-T. GRCh37 (hg19) VCF-style: chr10-395367-C-T.
Other names: short protein forms V1005M.
Identifiers: ClinVar variation 2907601 (VCV002907601.3), dbSNP rs768055346, ClinGen allele CA5380164.

ClinVar aggregate classification (germline): Uncertain significance (1 of 4 stars; one submission).

Allele frequency attached by ClinVar (database versions not stated): ExAC 0.00003.
gnomAD v4.1: 41 of 1,609,312 alleles (0.0025%); highest among the groups gnomAD compares: East Asian, 0.045%; no homozygotes.

Submission:

Labcorp Genetics (formerly Invitae), Labcorp
Classification: Uncertain significance. Last evaluated: 2025-11-12. Review status: criteria provided, single submitter. Criteria: Invitae Variant Classification Sherloc (09022015). Collection method: clinical testing. Allele origin: germline.
Comment: This sequence change replaces valine, which is neutral and non-polar, with methionine, which is neutral and non-polar, at codon 1005 of the DIP2C protein (p.Val1005Met). This variant is present in population databases (rs768055346, gnomAD 0.03%). This missense change has been observed in individual(s) with developmental delay (PMID: 33057194). ClinVar contains an entry for this variant (Variation ID: 2907601). An algorithm developed to predict the effect of missense changes on protein structure and function (PolyPhen-2) suggests that this variant is likely to be tolerated. In summary, the available evidence is currently insufficient to determine the role of this variant in disease. Therefore, it has been classified as a Variant of Uncertain Significance.

Literature cited by the submitters: PubMed 33057194.